The following is an entry in ClinVar:

ClinVar aggregate classification (germline): Uncertain significance. Review status: criteria provided, multiple submitters, no conflicts (2 of 4 stars). 3 submissions from 3 submitters: Uncertain significance (3). Last evaluated 2021-09-01.

Conditions:
Xeroderma pigmentosum, group D (XPD). Also called: XERODERMA PIGMENTOSUM, COMPLEMENTATION GROUP D; XERODERMA PIGMENTOSUM IV; XP, GROUP D; XP, GROUP H; ERCC2-Related Xeroderma Pigmentosum. Identifiers: MedGen C0268138, MONDO:0010212, OMIM 278730.

Allele frequency attached by ClinVar (database versions not stated): gnomAD 0.00003; TOPMed 0.00008.
gnomAD v4.1: 63 of 1,613,192 alleles (0.0039%); highest among the groups gnomAD compares: Non-Finnish European, 0.0053%; no homozygotes.

Submissions (3):

Labcorp Genetics (formerly Invitae), Labcorp
Classification: Uncertain significance. Last evaluated: 2021-09-01. Review status: criteria provided, single submitter. Criteria: Invitae Variant Classification Sherloc (09022015). Collection method: clinical testing. Allele origin: germline.
Comment: This sequence change replaces lysine with asparagine at codon 2 of the ERCC2 protein (p.Lys2Asn). The lysine residue is moderately conserved and there is a moderate physicochemical difference between lysine and asparagine. This variant is not present in population databases (ExAC no frequency). This variant has not been reported in the literature in individuals affected with ERCC2-related conditions. ClinVar contains an entry for this variant (Variation ID: 804793). Algorithms developed to predict the effect of missense changes on protein structure and function are either unavailable or do not agree on the potential impact of this missense change (SIFT: "Deleterious"; PolyPhen-2: "Benign"; Align-GVGD: "Class C0"). Algorithms developed to predict the effect of sequence changes on RNA splicing suggest that this variant may disrupt the consensus splice site. In summary, the available evidence is currently insufficient to determine the role of this variant in disease. Therefore, it has been classified as a Variant of Uncertain Significance.

Athena Diagnostics
Classification: Uncertain significance. Last evaluated: 2019-03-14. Review status: criteria provided, single submitter. Criteria: Athena Diagnostics Criteria. Collection method: clinical testing. Allele origin: germline.

Illumina Laboratory Services, Illumina
Classification: Uncertain significance for Xeroderma pigmentosum, group D. Last evaluated: 2018-01-13. Review status: criteria provided, single submitter. Criteria: ICSL Variant Classification Criteria 13 December 2019. Collection method: clinical testing. Allele origin: germline.

NM_000400.4(ERCC2):c.6G>C (p.Lys2Asn)

Gene: ERCC2 (ERCC excision repair 2, TFIIH core complex helicase subunit; minus strand). Cytogenetic location: 19q13.32.
Variant type: single nucleotide variant.
Coding change: c.6G>C on transcript NM_000400.4 (MANE Select); coding-DNA position 6, G replaced by C.
Protein change: p.Lys2Asn; replaces lysine 2 with asparagine.
Molecular consequence: missense variant. On other transcripts: 5 prime UTR variant (1).
Genome position (GRCh38, 1-based): chr19:45,370,232, C>G on the plus strand (G>C on the coding strand, the complement: ERCC2 is on the minus strand). VCF-style: chr19-45370232-C-G. GRCh37 (hg19) VCF-style: chr19-45873490-C-G.
Other names: c.-67G>C (NM_001130867.2); short protein forms K2N.
Identifiers: ClinVar variation 804793 (VCV000804793.9), dbSNP rs200443634, ClinGen allele CA308975317.